The following is an entry in ClinVar:

NM_001113378.2(FANCI):c.1070G>T (p.Arg357Ile)

Gene: FANCI (FA complementation group I; plus strand). Cytogenetic location: 15q26.1.
Variant type: single nucleotide variant.
Coding change: c.1070G>T on transcript NM_001113378.2 (MANE Select); coding-DNA position 1070, G replaced by T.
Protein change: p.Arg357Ile; replaces arginine 357 with isoleucine.
Molecular consequence: missense variant.
Genome position (GRCh38, 1-based): chr15:89,274,262, G>T. VCF-style: chr15-89274262-G-T. GRCh37 (hg19) VCF-style: chr15-89817493-G-T.
Other names: c.791G>T, p.Arg264Ile (NM_001376910.1); c.1070G>T, p.Arg357Ile (NM_001376911.1, NM_018193.3); short protein forms R264I, R357I.
Identifiers: ClinVar variation 1058825 (VCV001058825.9), dbSNP rs2151453139, ClinGen allele CA393741700.

ClinVar aggregate classification (germline): Uncertain significance (1 of 4 stars; one submission).

Conditions:
Fanconi anemia (FA). Also called: Fanconi's anemia. Identifiers: Orphanet 84, MedGen C0015625, MeSH D005199, MONDO:0019391.

Submission:

Labcorp Genetics (formerly Invitae), Labcorp
Classification: Uncertain significance for Fanconi anemia. Last evaluated: 2024-10-24. Review status: criteria provided, single submitter. Criteria: Invitae Variant Classification Sherloc (09022015). Collection method: clinical testing. Allele origin: germline.
Comment: This sequence change replaces arginine, which is basic and polar, with isoleucine, which is neutral and non-polar, at codon 357 of the FANCI protein (p.Arg357Ile). This variant is not present in population databases (gnomAD no frequency). This variant has not been reported in the literature in individuals affected with FANCI-related conditions. ClinVar contains an entry for this variant (Variation ID: 1058825). Invitae Evidence Modeling of protein sequence and biophysical properties (such as structural, functional, and spatial information, amino acid conservation, physicochemical variation, residue mobility, and thermodynamic stability) indicates that this missense variant is not expected to disrupt FANCI protein function with a negative predictive value of 80%. In summary, the available evidence is currently insufficient to determine the role of this variant in disease. Therefore, it has been classified as a Variant of Uncertain Significance.